The following is an entry in ClinVar:

ClinVar aggregate classification (germline): Benign. Review status: criteria provided, single submitter (1 of 4 stars). 2 submissions from 2 submitters: Benign (1). 1 of the submissions does not count toward it. Last evaluated 2018-11-12.

Conditions:
PPARGC1B polymorphism. Also called: Obesity, variation in. Identifiers: MedGen C5193213.

Allele frequency attached by ClinVar (database versions not stated): gnomAD exomes 0.08444 and 0.09392; ExAC 0.09619; gnomAD 0.10878 and 0.11135; 1000 Genomes Project 0.10962; 1000 Genomes Project 30x 0.11462; TOPMed 0.11906.
gnomAD v4.1: 134,837 of 1,547,582 alleles (8.7%); highest among the groups gnomAD compares: African/African-American, 16%; 6,416 homozygotes.

Submissions (2):

GeneDx
Classification: Benign. Last evaluated: 2018-11-12. Review status: criteria provided, single submitter. Criteria: GeneDx Variant Classification Process June 2021. Collection method: clinical testing. Allele origin: germline. Affected: yes.
Comment: This variant is associated with the following publications: (PMID: 15863669, 19653005, 16704985)

OMIM
Classification: Benign for PPARGC1B POLYMORPHISM. Last evaluated: 2005-05-01. Review status: no assertion criteria provided. Collection method: literature only. Allele origin: germline. Not counted in ClinVar's aggregate classification.

Literature cited by the submitters: PubMed 15863669 (cited by OMIM).

NM_133263.4(PPARGC1B):c.607G>C (p.Ala203Pro)

Gene: PPARGC1B (PPARG coactivator 1 beta; plus strand). Cytogenetic location: 5q32.
Variant type: single nucleotide variant.
Coding change: c.607G>C on transcript NM_133263.4 (MANE Select); coding-DNA position 607, G replaced by C.
Protein change: p.Ala203Pro; replaces alanine 203 with proline.
Molecular consequence: missense variant.
Genome position (GRCh38, 1-based): chr5:149,832,680, G>C. VCF-style: chr5-149832680-G-C. GRCh37 (hg19) VCF-style: chr5-149212243-G-C.
Other names: c.490G>C, p.Ala164Pro (NM_001172698.2); c.415G>C, p.Ala139Pro (NM_001172699.2); short protein forms A203P, A139P, A164P.
Identifiers: ClinVar variation 2039 (VCV000002039.4), dbSNP rs7732671, ClinGen allele CA115311.